The following is an entry in ClinVar:

ClinVar aggregate classification (germline): Uncertain significance (1 of 4 stars; one submission).

Conditions:
Growth hormone insensitivity with immune dysregulation 1, autosomal recessive. Also called: GROWTH HORMONE INSENSITIVITY SYNDROME WITH IMMUNE DYSREGULATION 1, AUTOSOMAL RECESSIVE; GROWTH HORMONE INSENSITIVITY DUE TO POSTRECEPTOR DEFECT; LARON SYNDROME DUE TO POSTRECEPTOR DEFECT; Laron syndrome with immunodeficiency. Identifiers: Orphanet 220465, MedGen C5435698, MONDO:0100211, OMIM 245590.

Submission:

Labcorp Genetics (formerly Invitae), Labcorp
Classification: Uncertain significance for Growth hormone insensitivity with immune dysregulation 1, autosomal recessive. Last evaluated: 2019-06-12. Review status: criteria provided, single submitter. Criteria: Invitae Variant Classification Sherloc (09022015). Collection method: clinical testing. Allele origin: germline.
Comment: In summary, the available evidence is currently insufficient to determine the role of this variant in disease. Therefore, it has been classified as a Variant of Uncertain Significance. This sequence change replaces threonine with proline at codon 344 of the STAT5B protein (p.Thr344Pro). The threonine residue is highly conserved and there is a small physicochemical difference between threonine and proline. This variant is not present in population databases (ExAC no frequency). This variant has not been reported in the literature in individuals with STAT5B-related conditions. Algorithms developed to predict the effect of missense changes on protein structure and function are either unavailable or do not agree on the potential impact of this missense change (SIFT: "Deleterious"; PolyPhen-2: "Benign"; Align-GVGD: "Class C35").

NM_012448.4(STAT5B):c.1030A>C (p.Thr344Pro)

Gene: STAT5B (signal transducer and activator of transcription 5B; minus strand). Cytogenetic location: 17q21.2.
Variant type: single nucleotide variant.
Coding change: c.1030A>C on transcript NM_012448.4 (MANE Select); coding-DNA position 1030, A replaced by C.
Protein change: p.Thr344Pro; replaces threonine 344 with proline.
Molecular consequence: missense variant.
Genome position (GRCh38, 1-based): chr17:42,218,290, T>G on the plus strand (A>C on the coding strand, the complement: STAT5B is on the minus strand). VCF-style: chr17-42218290-T-G. GRCh37 (hg19) VCF-style: chr17-40370308-T-G.
Other names: short protein forms T344P.
Identifiers: ClinVar variation 947193 (VCV000947193.10), dbSNP rs1598302816, ClinGen allele CA399585635.
Genomic context (GRCh38, chr17:42,218,290, plus strand): 5'-TGTGCACGTTCAGCTTCCCGCCCACCAGCAGGCGCACAGTGGCTGCAAACTTGGTCTGGG[T>G]CTTCAGGACCTGAGGAGGCTGCTTCTCAATGATGAACGTGCTGCAGGGGACACAGGGACA-3'
Protein context (NP_036580.2, residues 334-354): IEKQPPQVLK[Thr344Pro]QTKFAATVRL